The following is an entry in ClinVar:

ClinVar aggregate classification (germline): Likely benign. Review status: criteria provided, multiple submitters, no conflicts (2 of 4 stars). 2 submissions from 2 submitters: Likely benign (2). Last evaluated 2025-03-12.

gnomAD v4.1: 2 of 1,614,120 alleles (0.00012%); highest among the groups gnomAD compares: Non-Finnish European, 0.00017%; no homozygotes.

Submissions (2):

Labcorp Genetics (formerly Invitae), Labcorp
Classification: Likely benign. Last evaluated: 2025-03-12. Review status: criteria provided, single submitter. Criteria: Invitae Variant Classification Sherloc (09022015). Collection method: clinical testing. Allele origin: germline.

CeGaT Center for Human Genetics Tuebingen
Classification: Likely benign. Last evaluated: 2024-02-01. Review status: criteria provided, single submitter. Criteria: CeGaT Center For Human Genetics Tuebingen Variant Classification Criteria Version 2. Collection method: clinical testing. Allele origin: germline. Affected: yes. Observed: 1 variant allele.
Comment: TFRC: PM2:Supporting, BP4, BP7

NM_001128148.3(TFRC):c.543C>T (p.Val181=)

Gene: TFRC (transferrin receptor; minus strand). Cytogenetic location: 3q29.
Variant type: single nucleotide variant.
Coding change: c.543C>T on transcript NM_001128148.3 (MANE Select); coding-DNA position 543, C replaced by T.
Protein change: p.Val181=; no amino-acid change (valine 181 retained).
Molecular consequence: synonymous variant. On other transcripts: 5 prime UTR variant (1).
Genome position (GRCh38, 1-based): chr3:196,072,044, G>A on the plus strand (C>T on the coding strand, the complement: TFRC is on the minus strand). VCF-style: chr3-196072044-G-A. GRCh37 (hg19) VCF-style: chr3-195798915-G-A.
Other names: c.300C>T, p.Val100= (NM_001313965.2); c.-304C>T (NM_001313966.2); c.543C>T, p.Val181= (NM_003234.4).
Identifiers: ClinVar variation 3026018 (VCV003026018.23), dbSNP rs916376239, ClinGen allele CA437752565.